The following is an entry in ClinVar:

NM_022072.5(NSUN3):c.571G>C (p.Glu191Gln)

Gene: NSUN3 (NOP2/Sun RNA methyltransferase 3; plus strand). Cytogenetic location: 3q11.2.
Variant type: single nucleotide variant.
Coding change: c.571G>C on transcript NM_022072.5 (MANE Select); coding-DNA position 571, G replaced by C.
Protein change: p.Glu191Gln; replaces glutamic acid 191 with glutamine.
Molecular consequence: missense variant.
Genome position (GRCh38, 1-based): chr3:94,094,244, G>C. VCF-style: chr3-94094244-G-C. GRCh37 (hg19) VCF-style: chr3-93813088-G-C.
Other names: short protein forms E191Q.
Identifiers: ClinVar variation 1449834 (VCV001449834.6), dbSNP rs758683930, ClinGen allele CA2504734.

ClinVar aggregate classification (germline): Uncertain significance (1 of 4 stars; one submission).

Allele frequency attached by ClinVar (database versions not stated): ExAC 0.00001; gnomAD exomes 0.00002; TOPMed 0.00002; gnomAD 0.00004.
gnomAD v4.1: 15 of 1,613,626 alleles (0.00093%); highest among the groups gnomAD compares: Admixed American, 0.022%; no homozygotes.

Submission:

Labcorp Genetics (formerly Invitae), Labcorp
Classification: Uncertain significance. Last evaluated: 2024-03-17. Review status: criteria provided, single submitter. Criteria: Invitae Variant Classification Sherloc (09022015). Collection method: clinical testing. Allele origin: germline.
Comment: This sequence change replaces glutamic acid, which is acidic and polar, with glutamine, which is neutral and polar, at codon 191 of the NSUN3 protein (p.Glu191Gln). This variant is present in population databases (rs758683930, gnomAD 0.01%). This variant has not been reported in the literature in individuals affected with NSUN3-related conditions. ClinVar contains an entry for this variant (Variation ID: 1449834). An algorithm developed to predict the effect of missense changes on protein structure and function (PolyPhen-2) suggests that this variant is likely to be tolerated. In summary, the available evidence is currently insufficient to determine the role of this variant in disease. Therefore, it has been classified as a Variant of Uncertain Significance.